The following is an entry in ClinVar:

NM_004304.5(ALK):c.4609G>C (p.Gly1537Arg)

Gene: ALK (ALK receptor tyrosine kinase; minus strand). Cytogenetic location: 2p23.2.
Variant type: single nucleotide variant.
Coding change: c.4609G>C on transcript NM_004304.5 (MANE Select); coding-DNA position 4609, G replaced by C.
Protein change: p.Gly1537Arg; replaces glycine 1537 with arginine.
Molecular consequence: missense variant.
Genome position (GRCh38, 1-based): chr2:29,193,478, C>G on the plus strand (G>C on the coding strand, the complement: ALK is on the minus strand). VCF-style: chr2-29193478-C-G. GRCh37 (hg19) VCF-style: chr2-29416344-C-G.
Other names: c.1405G>C, p.Gly469Arg (NM_001353765.2); short protein forms G469R, G1537R.
Identifiers: ClinVar variation 1502835 (VCV001502835.8), dbSNP rs958335893, ClinGen allele CA346460606.

ClinVar aggregate classification (germline): Uncertain significance (1 of 4 stars; one submission).

Conditions:
Neuroblastoma, susceptibility to, 3. Also called: ALK-Related Neuroblastic Tumor Susceptibility. Identifiers: Orphanet 635, MedGen C2751681, MONDO:0013083, OMIM 613014.

Submission:

Labcorp Genetics (formerly Invitae), Labcorp
Classification: Uncertain significance for Neuroblastoma, susceptibility to, 3. Last evaluated: 2023-07-10. Review status: criteria provided, single submitter. Criteria: Invitae Variant Classification Sherloc (09022015). Collection method: clinical testing. Allele origin: germline.
Comment: In summary, the available evidence is currently insufficient to determine the role of this variant in disease. Therefore, it has been classified as a Variant of Uncertain Significance. An algorithm developed to predict the effect of missense changes on protein structure and function (PolyPhen-2) suggests that this variant is likely to be disruptive. ClinVar contains an entry for this variant (Variation ID: 1502835). This variant has not been reported in the literature in individuals affected with ALK-related conditions. This variant is not present in population databases (gnomAD no frequency). This sequence change replaces glycine, which is neutral and non-polar, with arginine, which is basic and polar, at codon 1537 of the ALK protein (p.Gly1537Arg).